The following is an entry in ClinVar:

NM_000045.4(ARG1):c.936C>A (p.His312Gln)

Genes: ARG1 (arginase 1; plus strand), MED23 (mediator complex subunit 23; minus strand). Cytogenetic location: 6q23.2.
Variant type: single nucleotide variant.
Coding change: c.936C>A on transcript NM_000045.4 (MANE Select); coding-DNA position 936, C replaced by A.
Protein change: p.His312Gln; replaces histidine 312 with glutamine.
Molecular consequence: missense variant. On other transcripts: non-coding transcript variant (1), intron variant (2).
Genome position (GRCh38, 1-based): chr6:131,583,875, C>A. VCF-style: chr6-131583875-C-A. GRCh37 (hg19) VCF-style: chr6-131905015-C-A.
Other names: c.960C>A, p.His320Gln (NM_001244438.2); c.681C>A, p.His227Gln (NM_001369020.1); c.4077+3834G>T (NM_001270521.2); c.4095+3834G>T (NM_015979.4); short protein forms H227Q, H320Q, H312Q.
Identifiers: ClinVar variation 1502774 (VCV001502774.7), dbSNP rs776119677, ClinGen allele CA3999415.
Genomic context (GRCh38, chr6:131,583,875, plus strand): 5'-AGTGAACACAGCAGTTGCAATAACCTTGGCTTGTTTCGGACTTGCTCGGGAGGGTAATCA[C>A]AAGCCTATTGACTACCTTAACCCACCTAAGTAAATGTGGAAACATCCGATATAAATCTCA-3'
Protein context (NP_000036.2, residues 302-322): ACFGLAREGN[His312Gln]KPIDYLNPPK

ClinVar aggregate classification (germline): Uncertain significance (1 of 4 stars; one submission).

Conditions:
Arginase deficiency. Also called: ARGININEMIA; ARG1 DEFICIENCY; Arginase 1 Deficiency. Identifiers: Orphanet 90, MedGen C0268548, MONDO:0008814, OMIM 207800.

Allele frequency attached by ClinVar (database versions not stated): gnomAD exomes below 0.00001; ExAC 0.00001; TOPMed below 0.00001.
gnomAD v4.1: 2 of 1,614,124 alleles (0.00012%); highest among the groups gnomAD compares: Admixed American, 0.0033%; no homozygotes.

Submission:

Labcorp Genetics (formerly Invitae), Labcorp
Classification: Uncertain significance for Arginase deficiency. Last evaluated: 2024-10-17. Review status: criteria provided, single submitter. Criteria: Invitae Variant Classification Sherloc (09022015). Collection method: clinical testing. Allele origin: germline.
Comment: This sequence change replaces histidine, which is basic and polar, with glutamine, which is neutral and polar, at codon 312 of the ARG1 protein (p.His312Gln). This variant is present in population databases (rs776119677, gnomAD 0.003%). This variant has not been reported in the literature in individuals affected with ARG1-related conditions. ClinVar contains an entry for this variant (Variation ID: 1502774). An algorithm developed to predict the effect of missense changes on protein structure and function (PolyPhen-2) suggests that this variant is likely to be disruptive. In summary, the available evidence is currently insufficient to determine the role of this variant in disease. Therefore, it has been classified as a Variant of Uncertain Significance.